The following is an entry in ClinVar:

NM_015311.3(OBSL1):c.4876+5G>A

Gene: OBSL1 (obscurin like cytoskeletal adaptor 1; minus strand). Cytogenetic location: 2q35.
Variant type: single nucleotide variant.
Coding change: c.4876+5G>A on transcript NM_015311.3 (MANE Select); 5 bases into the intron after coding-DNA position 4876, G replaced by A.
Molecular consequence: intron variant.
Genome position (GRCh38, 1-based): chr2:219,554,469, C>T on the plus strand (G>A on the coding strand, the complement: OBSL1 is on the minus strand). VCF-style: chr2-219554469-C-T. GRCh37 (hg19) VCF-style: chr2-220419191-C-T.
Identifiers: ClinVar variation 2500415 (VCV002500415.1), dbSNP rs2546200869, ClinGen allele CA2577254528.

ClinVar aggregate classification (germline): Uncertain significance (1 of 4 stars; one submission).

Allele frequency attached by ClinVar (database versions not stated): gnomAD exomes 0.00001.
gnomAD v4.1: 8 of 1,612,394 alleles (0.0005%); highest among the groups gnomAD compares: Non-Finnish European, 0.00068%; no homozygotes.

Submission:

GeneDx
Classification: Uncertain significance. Last evaluated: 2022-11-01. Review status: criteria provided, single submitter. Criteria: GeneDx Variant Classification Process June 2021. Collection method: clinical testing. Allele origin: germline. Affected: yes.
Comment: Not observed at significant frequency in large population cohorts (gnomAD); Has not been previously published as pathogenic or benign to our knowledge; In silico analysis is inconclusive as to whether the variant alters gene splicing. In the absence of RNA/functional studies, the actual effect of this sequence change is unknown.